The following is an entry in ClinVar:

ClinVar aggregate classification (germline): Conflicting classifications of pathogenicity. Review status: criteria provided, conflicting classifications (1 of 4 stars). 6 submissions from 2 submitters: Uncertain significance (4); Benign (2). Last evaluated 2019-08-14.

Conditions:
Early-onset myopathy with fatal cardiomyopathy (CMYO5). Also called: CONGENITAL MYOPATHY 5 WITH CARDIOMYOPATHY; Salih Myopathy. Identifiers: Orphanet 289377, MedGen C2673677, MONDO:0012714, OMIM 611705. Disease mechanism: loss of function.
Myopathy, myofibrillar, 9, with early respiratory failure (MFM9). Also called: EDSTROM MYOPATHY; MYOPATHY, PROXIMAL, WITH EARLY RESPIRATORY MUSCLE INVOLVEMENT; Myopathy, distal, with early respiratory failure, autosomal dominant; Hereditary myopathy with early respiratory failure. Identifiers: Orphanet 178464, Orphanet 34521, MedGen C1863599, MONDO:0011362, OMIM 603689.
Tibial muscular dystrophy (TMD). Also called: Tibial muscular dystrophy, tardive; UDD MYOPATHY; Udd Distal Myopathy – Tibial Muscular Dystrophy. Identifiers: Orphanet 609, MedGen C1838244, MONDO:0010870, OMIM 600334.
Autosomal recessive limb-girdle muscular dystrophy type 2J (LGMDR10). Also called: Limb-girdle muscular dystrophy, type 2J; MUSCULAR DYSTROPHY, LIMB-GIRDLE, AUTOSOMAL RECESSIVE 10. Identifiers: Orphanet 140922, MedGen C1837342, MONDO:0012127, OMIM 608807.
Dilated cardiomyopathy 1G (CMD1G). Identifiers: Orphanet 154, MedGen C1858763, MONDO:0011400, OMIM 604145.

Allele frequency attached by ClinVar (database versions not stated): gnomAD exomes below 0.00001 and 0.00002; TOPMed below 0.00001; ExAC 0.00002.
gnomAD v4.1: 4 of 1,613,662 alleles (0.00025%); highest among the groups gnomAD compares: East Asian, 0.0045%; no homozygotes.

Submissions (6):

Revvity Omics, Revvity
Classification: Uncertain significance. Last evaluated: 2019-08-14. Review status: criteria provided, single submitter. Criteria: ACMG Guidelines, 2015. Collection method: clinical testing. Allele origin: germline.

Illumina Laboratory Services, Illumina
Classification: Uncertain significance for Autosomal recessive limb-girdle muscular dystrophy type 2J. Last evaluated: 2018-01-13. Review status: criteria provided, single submitter. Criteria: ICSL Variant Classification Criteria 13 December 2019. Collection method: clinical testing. Allele origin: germline.

Illumina Laboratory Services, Illumina
Classification: Benign for Myopathy, myofibrillar, 9, with early respiratory failure. Last evaluated: 2018-01-13. Review status: criteria provided, single submitter. Criteria: ICSL Variant Classification Criteria 13 December 2019. Collection method: clinical testing. Allele origin: germline.
Comment: This variant was observed in the ICSL laboratory as part of a predisposition screen in an ostensibly healthy population. It had not been previously curated by ICSL or reported in the Human Gene Mutation Database (HGMD: prior to June 1st, 2018), and was therefore a candidate for classification through an automated scoring system. Utilizing variant allele frequency, disease prevalence and penetrance estimates, and inheritance mode, an automated score was calculated to assess if this variant is too frequent to cause the disease. Based on the score and internal cut-off values, a variant classified as benign is not then subjected to further curation. The score for this variant resulted in a classification of benign for this disease.

Illumina Laboratory Services, Illumina
Classification: Benign for Tibial muscular dystrophy. Last evaluated: 2018-01-13. Review status: criteria provided, single submitter. Criteria: ICSL Variant Classification Criteria 13 December 2019. Collection method: clinical testing. Allele origin: germline.
Comment: the same text as in the submission from Illumina Laboratory Services, Illumina above.

Illumina Laboratory Services, Illumina
Classification: Uncertain significance for Early-onset myopathy with fatal cardiomyopathy. Last evaluated: 2018-01-13. Review status: criteria provided, single submitter. Criteria: ICSL Variant Classification Criteria 13 December 2019. Collection method: clinical testing. Allele origin: germline.

Illumina Laboratory Services, Illumina
Classification: Uncertain significance for Dilated cardiomyopathy 1G. Last evaluated: 2018-01-13. Review status: criteria provided, single submitter. Criteria: ICSL Variant Classification Criteria 13 December 2019. Collection method: clinical testing. Allele origin: germline.

NM_001267550.2(TTN):c.101853A>C (p.Arg33951Ser)

Genes: TTN (titin; minus strand), TTN-AS1 (TTN antisense RNA 1; plus strand). Cytogenetic location: 2q31.2.
Variant type: single nucleotide variant.
Coding change: c.101853A>C on transcript NM_001267550.2 (MANE Select); coding-DNA position 101853, A replaced by C.
Protein change: p.Arg33951Ser; replaces arginine 33951 with serine.
Molecular consequence: missense variant.
Genome position (GRCh38, 1-based): chr2:178,534,762, T>G on the plus strand (A>C on the coding strand, the complement: TTN is on the minus strand). VCF-style: chr2-178534762-T-G. GRCh37 (hg19) VCF-style: chr2-179399489-T-G.
Other names: c.96930A>C, p.Arg32310Ser (NM_001256850.1); c.74658A>C, p.Arg24886Ser (NM_003319.4); c.94149A>C, p.Arg31383Ser (NM_133378.4); c.75033A>C, p.Arg25011Ser (NM_133432.3); c.75234A>C, p.Arg25078Ser (NM_133437.4); short protein forms R33951S, R25078S, R25011S, R32310S, R24886S, R31383S.
Identifiers: ClinVar variation 894633 (VCV000894633.6), dbSNP rs761821275, ClinGen allele CA1985832.